The following is an entry in ClinVar:

NM_007294.4(BRCA1):c.1222A>G (p.Lys408Glu)

Gene: BRCA1 (BRCA1 DNA repair associated; minus strand). Cytogenetic location: 17q21.31.
Variant type: single nucleotide variant.
Coding change: c.1222A>G on transcript NM_007294.4 (MANE Select); coding-DNA position 1222, A replaced by G.
Protein change: p.Lys408Glu; replaces lysine 408 with glutamic acid.
Molecular consequence: missense variant. On other transcripts: intron variant (137).
Genome position (GRCh38, 1-based): chr17:43,094,309, T>C on the plus strand (A>G on the coding strand, the complement: BRCA1 is on the minus strand). VCF-style: chr17-43094309-T-C. GRCh37 (hg19) VCF-style: chr17-41246326-T-C.
Other names: 1341A>G; c.1219A>G, p.Lys407Glu (NM_001407636.1, NM_001407637.1, NM_001407638.1 and 22 more transcripts); c.1222A>G, p.Lys408Glu (NM_001407639.1, NM_001407640.1, NM_001407641.1 and 30 more transcripts); c.1213A>G, p.Lys405Glu (NM_001407646.1, NM_001407647.1); c.1099A>G, p.Lys367Glu (NM_001407648.1, NM_001407664.1, NM_001407665.1 and 19 more transcripts); c.1096A>G, p.Lys366Glu (NM_001407649.1, NM_001407670.1, NM_001407671.1 and 11 more transcripts); c.1144A>G, p.Lys382Glu (NM_001407653.1, NM_001407654.1, NM_001407655.1 and 4 more transcripts); c.1141A>G, p.Lys381Glu (NM_001407659.1, NM_001407660.1, NM_001407661.1 and 1 more transcripts); and 41 more; short protein forms K408E, K361E, K281E, K297E, K338E, K360E, K366E, K381E.
Identifiers: ClinVar variation 37399 (VCV000037399.26), dbSNP rs80357253, ClinGen allele CA000801.
Genomic context (GRCh38, chr17:43,094,309, plus strand): 5'-TCTCTGAAGAACCAGAATATTCATCTACCTCATTTAGAACGTCCAATACATCAGCTACTT[T>C]GGCATTTGATTCAGACTCCCCATCATGTGAGTCATCAGAACCTAACAGTTCATCACTTCT-3'
Protein context (NP_009225.1, residues 398-418): SHDGESESNA[Lys408Glu]VADVLDVLNE

ClinVar aggregate classification (germline): Conflicting classifications of pathogenicity. Review status: criteria provided, conflicting classifications (1 of 4 stars). 12 submissions from 12 submitters: Uncertain significance (2); Benign (1); Likely benign (4). 5 of the submissions do not count toward it. Last evaluated 2026-01-26.

Conditions:
BRCA1-related disorder. Also called: BRCA1-related condition.
Hereditary cancer-predisposing syndrome. Also called: Tumor predisposition; Neoplastic Syndromes, Hereditary; Hereditary Cancer Syndrome; Hereditary neoplastic syndrome. Identifiers: Orphanet 140162, MedGen C0027672, MeSH D009386, MONDO:0015356.
Hereditary breast ovarian cancer syndrome. Also called: Hereditary breast and ovarian cancer syndrome (HBOC); Hereditary breast and ovarian cancer syndrome; Hereditary breast and ovarian cancer; Hereditary breast and/or ovarian cancer syndrome; Breast and ovarian cancer; BRCA1- and BRCA2-Associated Hereditary Breast and Ovarian Cancer. Identifiers: Orphanet 145, MedGen C0677776, MeSH D061325, MONDO:0003582. Disease mechanism: loss of function.
Breast-ovarian cancer, familial, susceptibility to, 1 (BROVCA1). Also called: OVARIAN CANCER, SUSCEPTIBILITY TO; BRCA1 Hereditary Breast and Ovarian Cancer. Identifiers: Orphanet 145, MedGen C2676676, MONDO:0011450, OMIM 604370. Disease mechanism: loss of function.
Malignant tumor of breast. Also called: Malignant breast neoplasm; Cancer breast. Identifiers: MedGen C0006142, MONDO:0007254. Disease mechanism: loss of function.

Allele frequency attached by ClinVar (database versions not stated): gnomAD exomes below 0.00001 and 0.00003; TOPMed 0.00001.
gnomAD v4.1: 41 of 1,614,214 alleles (0.0025%); highest among the groups gnomAD compares: Non-Finnish European, 0.0035%; no homozygotes.

Submissions (12):

Labcorp Genetics (formerly Invitae), Labcorp
Classification: Likely benign for Hereditary breast ovarian cancer syndrome. Last evaluated: 2026-01-26. Review status: criteria provided, single submitter. Criteria: Invitae Variant Classification Sherloc (09022015). Collection method: clinical testing. Allele origin: germline.

Quest Diagnostics Nichols Institute San Juan Capistrano
Classification: Uncertain significance. Last evaluated: 2025-06-30. Review status: criteria provided, single submitter. Criteria: Quest Diagnostics criteria. Collection method: clinical testing. Allele origin: unknown.
Comment: The BRCA1 c.1222A>G (p.Lys408Glu) variant has been reported in the published literature in reportedly unaffected individuals and individuals with breast cancer (PMID: 33471991 (2021), see also LOVD). Additionally, this variant is reported to be located in a region of BRCA1 that is tolerant to missense sequence changes ((PMID: 31911673 (2020)), as well as being located near phosphorylated residues (PMID: 25722345 (2015), 23704879 (2013)). The frequency of this variant in the general population (Genome Aggregation Database) is uninformative in the assessment of its pathogenicity. Analysis of this variant using bioinformatics tools for the prediction of the effect of amino acid changes on protein structure and function yielded predictions that this variant is benign. Based on the available information, we are unable to determine the clinical significance of this variant.

University of Washington Department of Laboratory Medicine, University of Washington
Classification: Likely benign for Hereditary cancer-predisposing syndrome. Last evaluated: 2023-03-23. Review status: criteria provided, single submitter. Criteria: Dines et al. (Genet Med. 2020). Collection method: curation. Allele origin: germline.
Comment: Missense variant in a coldspot region where missense variants are very unlikely to be pathogenic (PMID:31911673).

BRCA1 coldspot (exon 11 using historical exon numbering). Reclassification based on statistical prior probability

Ambry Genetics
Classification: Likely benign for Hereditary cancer-predisposing syndrome. Last evaluated: 2018-09-30. Review status: criteria provided, single submitter. Criteria: Ambry Variant Classification Scheme 2023. Collection method: clinical testing. Allele origin: germline.

GeneDx
Classification: Likely benign. Last evaluated: 2017-10-02. Review status: criteria provided, single submitter. Criteria: GeneDx Variant Classification (06012015). Collection method: clinical testing. Allele origin: germline. Affected: yes.
Comment: This variant is considered likely benign or benign based on one or more of the following criteria: it is a conservative change, it occurs at a poorly conserved position in the protein, it is predicted to be benign by multiple in silico algorithms, and/or has population frequency not consistent with disease.

Color Diagnostics, LLC DBA Color Health
Classification: Benign for Hereditary cancer-predisposing syndrome. Last evaluated: 2017-01-18. Review status: criteria provided, single submitter. Criteria: ACMG Guidelines, 2015. Collection method: clinical testing. Allele origin: germline.

Women's Health and Genetics/Laboratory Corporation of America, LabCorp
Classification: Uncertain significance. Last evaluated: 2016-12-13. Review status: criteria provided, single submitter. Criteria: LabCorp Variant Classification Summary - May 2015. Collection method: clinical testing. Allele origin: germline.
Comment: Variant summary: The BRCA1 c.1222A>G (p.Lys408Glu) variant involves the alteration of a non-conserved nucleotide. 3/3 in silico tools predict a benign outcome for this variant (SNPs&GO and MutationTaster not captured due to low reliability index). This variant is absent in 121218 control chromosomes. Clinical diagnostic laboratories/reputable databases classified this variant as likely benign/benign, without evidence to independently evaluate. The variant of interest has not, to our knowledge, been reported in affected individuals via publications nor evaluated for functional impact by in vivo/vitro studies. Because of the absence of clinical information and the lack of functional studies, the variant is classified as a variant of uncertain significance (VUS) until additional information becomes available.

PreventionGenetics, part of Exact Sciences
Classification: Uncertain significance for BRCA1-related condition. Last evaluated: 2024-06-25. Review status: no assertion criteria provided. Collection method: clinical testing. Allele origin: germline. Not counted in ClinVar's aggregate classification.
Comment: The BRCA1 c.1222A>G variant is predicted to result in the amino acid substitution p.Lys408Glu. This variant has been reported in an individual undergoing testing for breast/ovarian cancer but was considered likely benign due to the Lys408 residue being a glutamic acid (Glu) in several other species (Abkevich et al. 2004. PubMed ID: 15235020). This variant occurs within a region of the BRCA1 gene that is predicted to be tolerant to missense variation (Table 2, Dines et al. 2020. PubMed ID: 31911673). This variant is reported in 0.00088% of alleles in individuals of European (Non-Finnish) descent in gnomAD and has conflicting interpretations regarding its pathogenicity in ClinVar, ranging from benign to a variant of uncertain significance. At this time, the clinical significance of this variant is uncertain due to the absence of conclusive functional and genetic evidence.

BRCAlab, Lund University
Classification: Uncertain significance for Breast-ovarian cancer, familial, susceptibility to, 1. Last evaluated: 2020-03-02. Review status: no assertion criteria provided. Collection method: clinical testing. Allele origin: germline. Affected: yes. Not counted in ClinVar's aggregate classification.

Sharing Clinical Reports Project (SCRP)
Classification: Benign for Breast-ovarian cancer, familial 1. Last evaluated: 2009-11-06. Review status: no assertion criteria provided. Collection method: clinical testing. Allele origin: germline. Not counted in ClinVar's aggregate classification.

Breast Cancer Information Core (BIC) (BRCA1)
Classification: Uncertain significance for Breast-ovarian cancer, familial 1. Last evaluated: 2002-06-20. Review status: no assertion criteria provided. Collection method: clinical testing. Allele origin: germline. Affected: yes. Observed: 3 variant alleles. Not counted in ClinVar's aggregate classification.

Department of Pathology and Laboratory Medicine, Sinai Health System
Classification: Likely benign for Malignant tumor of breast. Review status: no assertion criteria provided. Collection method: clinical testing. Allele origin: unknown. Affected: yes. Study: The Canadian Open Genetics Repository (COGR). Not counted in ClinVar's aggregate classification.
Comment: The BRCA1 p.Lys408Glu variant was identified in the literature however the frequency of this variant in an affected population was not provided. Ther variant was reported in a study using computation analysis to classify variant as was determined to be neutral (Abkevich 2004). The variant was also identified in dbSNP (ID: rs80357253) as â€šÃ„ÃºWith Pathogenic, other alleleâ€šÃ„Ã¹ as a separate variant is reported to cause a nonsense change at this loci. The variants was also identified in ClinVar (as uncertain significance by Lab Corp, BIC; likely benign by Ambry Genetics, GeneDx and Invitae and benign by Sharing Clinical Reports Project), and LOVD 3.0 (5x predicted neutral). The variant was identified in control databases in 1 of 245604 chromosomes at a frequency of 0.000004 (Genome Aggregation Database Feb 27, 2017). Breakdown of the observations by population include European Non-Finnish in 1 of 111140 chromosomes (freq: 0.000009), while the variant was not observed in the African, Other, Latino, Ashkenazi Jewish, EastAsian, Finnish, and South Asian populations. The p.Lys408Glu residue is not conserved in mammals and computational analyses (PolyPhen-2, SIFT, AlignGVGD, BLOSUM, MutationTaster) do not suggest a high likelihood of impact to the protein; however, this information is not predictive enough to rule out pathogenicity. The variant occurs outside of the splicing consensus sequence and in silico or computational prediction software programs (SpliceSiteFinder, MaxEntScan, NNSPLICE, GeneSplicer, HumanSpliceFinder) do not predict a difference in splicing. In summary, based on the above information the clinical significance of this variant cannot be determined with certainty at this time although we would lean towards a more benign role for this variant. This variant is classified as likely benign.

Literature cited by the submitters: PubMed 15235020 (cited by 3 submitters); PubMed 15385441 (cited by 3 submitters); PubMed 15001988 (cited by Quest Diagnostics Nichols Institute San Juan Capistrano and Women's Health and Genetics/Laboratory Corporation of America, LabCorp); PubMed 23704879 (cited by Quest Diagnostics Nichols Institute San Juan Capistrano and Women's Health and Genetics/Laboratory Corporation of America, LabCorp); PubMed 25722345 (cited by Quest Diagnostics Nichols Institute San Juan Capistrano); PubMed 33471991 (cited by Quest Diagnostics Nichols Institute San Juan Capistrano); PubMed 31911673 (cited by Quest Diagnostics Nichols Institute San Juan Capistrano).